The following is an entry in ClinVar:

ClinVar aggregate classification (germline): Uncertain significance. Review status: criteria provided, multiple submitters, no conflicts (2 of 4 stars). 3 submissions from 3 submitters: Uncertain significance (3). Last evaluated 2024-10-22.

Conditions:
Developmental and epileptic encephalopathy, 18 (DEE18). Also called: Early infantile epileptic encephalopathy 18. Identifiers: Orphanet 369894, MedGen C3809624, MONDO:0014201, OMIM 615476.
Inborn genetic diseases. Identifiers: MedGen C0950123, MeSH D030342.

Allele frequency attached by ClinVar (database versions not stated): ExAC 0.00002; gnomAD exomes 0.00002.
gnomAD v4.1: 12 of 1,613,980 alleles (0.00074%); highest among the groups gnomAD compares: Admixed American, 0.0017%; no homozygotes.

Submissions (3):

Labcorp Genetics (formerly Invitae), Labcorp
Classification: Uncertain significance. Last evaluated: 2024-10-22. Review status: criteria provided, single submitter. Criteria: Invitae Variant Classification Sherloc (09022015). Collection method: clinical testing. Allele origin: germline.
Comment: This sequence change replaces isoleucine, which is neutral and non-polar, with valine, which is neutral and non-polar, at codon 849 of the SZT2 protein (p.Ile849Val). This variant is present in population databases (rs749314293, gnomAD 0.003%). This variant has not been reported in the literature in individuals affected with SZT2-related conditions. ClinVar contains an entry for this variant (Variation ID: 588380). Invitae Evidence Modeling of protein sequence and biophysical properties (such as structural, functional, and spatial information, amino acid conservation, physicochemical variation, residue mobility, and thermodynamic stability) indicates that this missense variant is not expected to disrupt SZT2 protein function with a negative predictive value of 80%. In summary, the available evidence is currently insufficient to determine the role of this variant in disease. Therefore, it has been classified as a Variant of Uncertain Significance.

Genome-Nilou Lab
Classification: Uncertain significance for Developmental and epileptic encephalopathy, 18. Last evaluated: 2023-04-11. Review status: criteria provided, single submitter. Criteria: ACMG Guidelines, 2015. Collection method: clinical testing. Allele origin: germline. Affected: no.

Ambry Genetics
Classification: Uncertain significance for Inborn genetic diseases. Last evaluated: 2016-10-27. Review status: criteria provided, single submitter. Criteria: Ambry Variant Classification Scheme 2023. Collection method: clinical testing. Allele origin: germline.
Comment: The p.I849V variant (also known as c.2545A>G), located in coding exon 17 of the SZT2 gene, results from an A to G substitution at nucleotide position 2545. The isoleucine at codon 849 is replaced by valine, an amino acid with highly similar properties. This variant was not reported in population based cohorts in the following databases: Database of Single Nucleotide Polymorphisms (dbSNP), NHLBI Exome Sequencing Project (ESP), and 1000 Genomes Project. In the ESP, this variant was not observed in 6503 samples (13006 alleles) with coverage at this position. This amino acid position is not well conserved in available vertebrate species. In addition, this alteration is predicted to be tolerated by in silico analysis. Since supporting evidence is limited at this time, the clinical significance of this alteration remains unclear.

NM_001365999.1(SZT2):c.2545A>G (p.Ile849Val)

Gene: SZT2 (SZT2 subunit of KICSTOR complex; plus strand). Cytogenetic location: 1p34.2.
Variant type: single nucleotide variant.
Coding change: c.2545A>G on transcript NM_001365999.1 (MANE Select); coding-DNA position 2545, A replaced by G.
Protein change: p.Ile849Val; replaces isoleucine 849 with valine.
Molecular consequence: missense variant.
Genome position (GRCh38, 1-based): chr1:43,424,857, A>G. VCF-style: chr1-43424857-A-G. GRCh37 (hg19) VCF-style: chr1-43890528-A-G.
Other names: c.2545A>G, p.Ile849Val (NM_015284.4); short protein forms I849V.
Identifiers: ClinVar variation 588380 (VCV000588380.14), dbSNP rs749314293, ClinGen allele CA808722.